The following is an entry in ClinVar:

NM_015340.4(LARS2):c.1939G>A (p.Gly647Arg)

Gene: LARS2 (leucyl-tRNA synthetase 2, mitochondrial; plus strand). Cytogenetic location: 3p21.31.
Variant type: single nucleotide variant.
Coding change: c.1939G>A on transcript NM_015340.4 (MANE Select); coding-DNA position 1939, G replaced by A.
Protein change: p.Gly647Arg; replaces glycine 647 with arginine.
Molecular consequence: missense variant.
Genome position (GRCh38, 1-based): chr3:45,516,171, G>A. VCF-style: chr3-45516171-G-A. GRCh37 (hg19) VCF-style: chr3-45557663-G-A.
Other names: c.1939G>A (NM_015340.3); c.1939G>A, p.Gly647Arg (NM_001368263.1); short protein forms G647R.
Identifiers: ClinVar variation 3614203 (VCV003614203.3).

ClinVar aggregate classification (germline): Uncertain significance. Review status: criteria provided, multiple submitters, no conflicts (2 of 4 stars). 2 submissions from 2 submitters: Uncertain significance (2). Last evaluated 2025-09-10.

Conditions:
LARS2-related disorder. Also called: LARS2-related condition.

gnomAD v4.1: 9 of 1,614,124 alleles (0.00056%); highest among the groups gnomAD compares: Admixed American, 0.0067%; no homozygotes.

Submissions (2):

PreventionGenetics, part of Exact Sciences
Classification: Uncertain significance for LARS2-related condition. Last evaluated: 2025-09-10. Review status: criteria provided, single submitter. Criteria: ACMG Guidelines, 2015. Collection method: clinical testing. Allele origin: germline.
Comment: The LARS2 c.1939G>A variant is predicted to result in the amino acid substitution p.Gly647Arg. To our knowledge, this variant has not been reported in the literature. This variant is reported in 0.012% of alleles in individuals of Latino descent in gnomAD. At this time, the clinical significance of this variant is uncertain due to the absence of conclusive functional and genetic evidence.

Labcorp Genetics (formerly Invitae), Labcorp
Classification: Uncertain significance. Last evaluated: 2024-11-07. Review status: criteria provided, single submitter. Criteria: Invitae Variant Classification Sherloc (09022015). Collection method: clinical testing. Allele origin: germline.
Comment: This sequence change replaces glycine, which is neutral and non-polar, with arginine, which is basic and polar, at codon 647 of the LARS2 protein (p.Gly647Arg). This variant is present in population databases (rs539920212, gnomAD 0.01%). This variant has not been reported in the literature in individuals affected with LARS2-related conditions. Invitae Evidence Modeling of protein sequence and biophysical properties (such as structural, functional, and spatial information, amino acid conservation, physicochemical variation, residue mobility, and thermodynamic stability) indicates that this missense variant is expected to disrupt LARS2 protein function with a positive predictive value of 80%. In summary, the available evidence is currently insufficient to determine the role of this variant in disease. Therefore, it has been classified as a Variant of Uncertain Significance.